The following is an entry in ClinVar:

ClinVar aggregate classification (germline): Uncertain significance. Review status: criteria provided, multiple submitters, no conflicts (2 of 4 stars). 2 submissions from 2 submitters: Uncertain significance (2). Last evaluated 2025-12-22.

Conditions:
Cardiovascular phenotype. Identifiers: MedGen CN230736.

Allele frequency attached by ClinVar (database versions not stated): TOPMed below 0.00001; gnomAD 0.00001.

Submissions (2):

Women's Health and Genetics/Laboratory Corporation of America, LabCorp
Classification: Uncertain significance. Last evaluated: 2025-12-22. Review status: criteria provided, single submitter. Criteria: LabCorp Variant Classification Summary - May 2015. Collection method: clinical testing. Allele origin: germline.
Comment: Variant summary: PRDM5 c.1538G>A (p.Gly513Asp) results in a non-conservative amino acid change in the encoded protein sequence. Algorithms developed to predict the effect of missense changes on protein structure and function are either unavailable or do not agree on the potential impact of this missense change. Consensus agreement among computation tools predict no significant impact on normal splicing. However, these predictions have yet to be confirmed by functional studies. The variant was absent in 250328 control chromosomes. The available data on variant occurrences in the general population are insufficient to allow any conclusion about variant significance. To our knowledge, no occurrence of c.1538G>A in individuals affected with PRDM5-related conditions and no experimental evidence demonstrating its impact on protein function have been reported. ClinVar contains an entry for this variant (Variation ID: 1774757). Based on the evidence outlined above, the variant was classified as uncertain significance.

Ambry Genetics
Classification: Uncertain significance for Cardiovascular phenotype. Last evaluated: 2025-10-25. Review status: criteria provided, single submitter. Criteria: Ambry Variant Classification Scheme 2023. Collection method: clinical testing. Allele origin: germline.
Comment: The p.G513D variant (also known as c.1538G>A) is located in coding exon 14 of the PRDM5 gene. The glycine at codon 513 is replaced by aspartic acid, an amino acid with similar properties. This change occurs in the first base pair of coding exon 14. This amino acid position is conserved. In addition, the in silico prediction for this alteration is inconclusive. Since supporting evidence is limited at this time, the clinical significance of this alteration remains unclear.

NM_018699.4(PRDM5):c.1538G>A (p.Gly513Asp)

Gene: PRDM5 (PR/SET domain 5; minus strand). Cytogenetic location: 4q27.
Variant type: single nucleotide variant.
Coding change: c.1538G>A on transcript NM_018699.4 (MANE Select); coding-DNA position 1538, G replaced by A.
Protein change: p.Gly513Asp; replaces glycine 513 with aspartic acid.
Molecular consequence: missense variant. On other transcripts: intron variant (1).
Genome position (GRCh38, 1-based): chr4:120,754,638, C>T on the plus strand (G>A on the coding strand, the complement: PRDM5 is on the minus strand). VCF-style: chr4-120754638-C-T. GRCh37 (hg19) VCF-style: chr4-121675793-C-T.
Other names: c.1445G>A, p.Gly482Asp (NM_001300823.2, NM_001379106.1); c.1571G>A, p.Gly524Asp (NM_001379104.1); c.1444+22550G>A (NM_001300824.2); short protein forms G482D, G513D, G524D.
Identifiers: ClinVar variation 1774757 (VCV001774757.4), dbSNP rs1322124232, ClinGen allele CA358207165.